The following is an entry in ClinVar:

ClinVar aggregate classification (germline): Uncertain significance. Review status: criteria provided, multiple submitters, no conflicts (2 of 4 stars). 2 submissions from 2 submitters: Uncertain significance (2). Last evaluated 2025-08-21.

Conditions:
Inborn genetic diseases. Identifiers: MedGen C0950123, MeSH D030342.
Intellectual developmental disorder, X-linked 1. Also called: Atkin Flaitz Patil Smith syndrome; MENTAL RETARDATION, X-LINKED 18; MENTAL RETARDATION, X-LINKED 78; Intellectual disability, X-linked 1. Identifiers: Orphanet 777, MedGen C2931498, MONDO:0010656, OMIM 309530.

Submissions (2):

Ambry Genetics
Classification: Uncertain significance for Inborn genetic diseases. Last evaluated: 2025-08-21. Review status: criteria provided, single submitter. Criteria: Ambry Variant Classification Scheme 2023. Collection method: clinical testing. Allele origin: germline.

Labcorp Genetics (formerly Invitae), Labcorp
Classification: Uncertain significance for Intellectual developmental disorder, X-linked 1. Last evaluated: 2025-07-06. Review status: criteria provided, single submitter. Criteria: Invitae Variant Classification Sherloc (09022015). Collection method: clinical testing. Allele origin: germline.
Comment: This sequence change replaces threonine, which is neutral and polar, with serine, which is neutral and polar, at codon 1073 of the IQSEC2 protein (p.Thr1073Ser). This variant is not present in population databases (gnomAD no frequency). This variant has not been reported in the literature in individuals affected with IQSEC2-related conditions. Invitae Evidence Modeling of protein sequence and biophysical properties (such as structural, functional, and spatial information, amino acid conservation, physicochemical variation, residue mobility, and thermodynamic stability) indicates that this missense variant is not expected to disrupt IQSEC2 protein function with a negative predictive value of 95%. In summary, the available evidence is currently insufficient to determine the role of this variant in disease. Therefore, it has been classified as a Variant of Uncertain Significance.

NM_001111125.3(IQSEC2):c.3217A>T (p.Thr1073Ser)

Gene: IQSEC2 (IQ motif and Sec7 domain ArfGEF 2; minus strand). Cytogenetic location: Xp11.22.
Variant type: single nucleotide variant.
Coding change: c.3217A>T on transcript NM_001111125.3 (MANE Select); coding-DNA position 3217, A replaced by T.
Protein change: p.Thr1073Ser; replaces threonine 1073 with serine.
Molecular consequence: missense variant.
Genome position (GRCh38, 1-based): chrX:53,238,205, T>A on the plus strand (A>T on the coding strand, the complement: IQSEC2 is on the minus strand). VCF-style: chrX-53238205-T-A. GRCh37 (hg19) VCF-style: chrX-53267387-T-A.
Other names: c.3217A>T, p.Thr1073Ser (NM_001410736.1, NM_001441092.1); c.2719A>T, p.Thr907Ser (NM_001441093.1); c.2506A>T, p.Thr836Ser (NM_001441094.1, NM_001441095.1); c.2602A>T, p.Thr868Ser (NM_015075.2); short protein forms T1073S, T836S, T907S, T868S.
Identifiers: ClinVar variation 4276545 (VCV004276545.2).